The following is an entry in ClinVar:

NM_001376.5(DYNC1H1):c.8260G>A (p.Ala2754Thr)

Gene: DYNC1H1 (dynein cytoplasmic 1 heavy chain 1; plus strand). Cytogenetic location: 14q32.31.
Variant type: single nucleotide variant.
Coding change: c.8260G>A on transcript NM_001376.5 (MANE Select); coding-DNA position 8260, G replaced by A.
Protein change: p.Ala2754Thr; replaces alanine 2754 with threonine.
Molecular consequence: missense variant.
Genome position (GRCh38, 1-based): chr14:102,018,533, G>A. VCF-style: chr14-102018533-G-A. GRCh37 (hg19) VCF-style: chr14-102484870-G-A.
Other names: p.Ala2754Thr; short protein forms A2754T.
Identifiers: ClinVar variation 3380236 (VCV003380236.3).
Genomic context (GRCh38, chr14:102,018,533, plus strand): 5'-GTGTATGTGGATTACCCGGGCCCCGCCTCCCTCACACAGATCTACGGCACCTTCAACCGC[G>A]CCATGCTGAGGCTCATTCCATCCCTGCGGACGTATGCAGAGCCGCTCACTGCTGCCATGG-3'
Protein context (NP_001367.2, residues 2744-2764): LTQIYGTFNR[Ala2754Thr]MLRLIPSLRT

ClinVar aggregate classification (germline): Uncertain significance. Review status: criteria provided, multiple submitters, no conflicts (2 of 4 stars). 2 submissions from 2 submitters: Uncertain significance (2). Last evaluated 2024-09-11.

Conditions:
Charcot-Marie-Tooth disease axonal type 2O. Also called: CHARCOT-MARIE-TOOTH NEUROPATHY, AXONAL, TYPE 2O; CHARCOT-MARIE-TOOTH DISEASE, AXONAL, AUTOSOMAL DOMINANT, TYPE 2O; Charcot-Marie-Tooth Neuropathy Type 2O; Charcot-Marie-Tooth disease, axonal, type 20. Identifiers: Orphanet 284232, MedGen C3280220, MONDO:0013644, OMIM 614228.

Submissions (2):

Labcorp Genetics (formerly Invitae), Labcorp
Classification: Uncertain significance for Charcot-Marie-Tooth disease axonal type 2O. Last evaluated: 2024-09-11. Review status: criteria provided, single submitter. Criteria: Invitae Variant Classification Sherloc (09022015). Collection method: clinical testing. Allele origin: germline.
Comment: This sequence change replaces alanine, which is neutral and non-polar, with threonine, which is neutral and polar, at codon 2754 of the DYNC1H1 protein (p.Ala2754Thr). This variant is not present in population databases (gnomAD no frequency). This variant has not been reported in the literature in individuals affected with DYNC1H1-related conditions. Invitae Evidence Modeling of protein sequence and biophysical properties (such as structural, functional, and spatial information, amino acid conservation, physicochemical variation, residue mobility, and thermodynamic stability) indicates that this missense variant is expected to disrupt DYNC1H1 protein function with a positive predictive value of 95%. In summary, the available evidence is currently insufficient to determine the role of this variant in disease. Therefore, it has been classified as a Variant of Uncertain Significance.

Mayo Clinic Laboratories, Mayo Clinic
Classification: Uncertain significance. Last evaluated: 2024-06-24. Review status: criteria provided, single submitter. Criteria: ACMG Guidelines, 2015. Collection method: clinical testing. Allele origin: germline. Observed: 1 variant allele.